The following is an entry in ClinVar:

NM_002109.6(HARS1):c.397-11T>G

Gene: HARS1 (histidyl-tRNA synthetase 1; minus strand). Cytogenetic location: 5q31.3.
Variant type: single nucleotide variant.
Coding change: c.397-11T>G on transcript NM_002109.6 (MANE Select); 11 bases into the intron before coding-DNA position 397, T replaced by G.
Molecular consequence: intron variant.
Genome position (GRCh38, 1-based): chr5:140,679,138, A>C on the plus strand (T>G on the coding strand, the complement: HARS1 is on the minus strand). VCF-style: chr5-140679138-A-C. GRCh37 (hg19) VCF-style: chr5-140058723-A-C.
Other names: c.310-11T>G (NM_001289094.2); c.181-1123T>G (NM_001289093.2); c.277-11T>G (NM_001258042.3, NM_001258040.3); c.301-1123T>G (NM_001289092.2); c.397-11T>G (NM_001258041.3).
Identifiers: ClinVar variation 1680349 (VCV001680349.9), dbSNP rs763198737, ClinGen allele CA3444113.
Genomic context (GRCh38, chr5:140,679,138, plus strand): 5'-CGTTTAATGTTGGTCAGTTTATTCATTGCCAAATACCGAGCAAAAGGAACCTGATGACAA[A>C]GAGTTAAGGAGAAAGCCCCTCCTATCACTGTCTGCAAGTTGATTATCATCACCAACAGAA-3'

ClinVar aggregate classification (germline): Conflicting classifications of pathogenicity. Review status: criteria provided, conflicting classifications (1 of 4 stars). 2 submissions from 2 submitters: Uncertain significance (1); Likely benign (1). Last evaluated 2025-11-17.

Conditions:
Usher syndrome type 3B. Also called: USHER SYNDROME, TYPE IIIB. Identifiers: MedGen C3281066, MONDO:0013788, OMIM 614504.

Allele frequency attached by ClinVar (database versions not stated): ExAC 0.00004; gnomAD 0.00004 and 0.00007; gnomAD exomes 0.00004.

Submissions (2):

Labcorp Genetics (formerly Invitae), Labcorp
Classification: Likely benign for Usher syndrome type 3B. Last evaluated: 2025-11-17. Review status: criteria provided, single submitter. Criteria: Invitae Variant Classification Sherloc (09022015). Collection method: clinical testing. Allele origin: germline.

GeneDx
Classification: Uncertain significance. Last evaluated: 2023-05-25. Review status: criteria provided, single submitter. Criteria: GeneDx Variant Classification Process June 2021. Collection method: clinical testing. Allele origin: germline. Affected: yes.
Comment: Has not been previously published as pathogenic or benign to our knowledge; In silico analysis is inconclusive as to whether the variant alters gene splicing. In the absence of RNA/functional studies, the actual effect of this sequence change is unknown.